The following is an entry in ClinVar:

NM_001374259.2(IL12RB2):c.1187C>T (p.Ala396Val)

Gene: IL12RB2 (interleukin 12 receptor subunit beta 2; plus strand). Cytogenetic location: 1p31.3.
Variant type: single nucleotide variant.
Coding change: c.1187C>T on transcript NM_001374259.2 (MANE Select); coding-DNA position 1187, C replaced by T.
Protein change: p.Ala396Val; replaces alanine 396 with valine.
Molecular consequence: missense variant. On other transcripts: non-coding transcript variant (2).
Genome position (GRCh38, 1-based): chr1:67,351,018, C>T. VCF-style: chr1-67351018-C-T. GRCh37 (hg19) VCF-style: chr1-67816701-C-T.
Other names: c.1187C>T, p.Ala396Val (NM_001258214.1, NM_001258215.1, NM_001258216.1 and 2 more transcripts); short protein forms A396V.
Identifiers: ClinVar variation 774582 (VCV000774582.14), dbSNP rs61731150, ClinGen allele CA900424.

ClinVar aggregate classification (germline): Benign. Review status: criteria provided, multiple submitters, no conflicts (2 of 4 stars). 3 submissions from 3 submitters: Benign (2). 1 of the submissions does not count toward it. Last evaluated 2026-02-02.

Conditions:
IL12RB2-related disorder. Also called: IL12RB2-related condition.

Allele frequency attached by ClinVar (database versions not stated): gnomAD exomes 0.00239 and 0.00417; ExAC 0.00423; 1000 Genomes Project 0.00839; gnomAD 0.00868 and 0.00920; 1000 Genomes Project 30x 0.00874; ESP Exome Variant Server 0.00969; TOPMed 0.01022.
gnomAD v4.1: 5,060 of 1,614,040 alleles (0.31%); highest among the groups gnomAD compares: African/African-American, 2.4%; 43 homozygotes.

Submissions (3):

Labcorp Genetics (formerly Invitae), Labcorp
Classification: Benign. Last evaluated: 2026-02-02. Review status: criteria provided, single submitter. Criteria: Invitae Variant Classification Sherloc (09022015). Collection method: clinical testing. Allele origin: germline.

Breakthrough Genomics
Classification: Benign. Review status: criteria provided, single submitter. Criteria: ACMG Guidelines, 2015. Collection method: not provided. Allele origin: germline. Inheritance: Unknown mechanism. Affected: yes.

PreventionGenetics, part of Exact Sciences
Classification: Benign for IL12RB2-related condition. Last evaluated: 2019-02-19. Review status: no assertion criteria provided. Collection method: clinical testing. Allele origin: germline. Not counted in ClinVar's aggregate classification.
Comment: This variant is classified as benign based on ACMG/AMP sequence variant interpretation guidelines (Richards et al. 2015 PMID: 25741868, with internal and published modifications).